The following is an entry in ClinVar:

NM_016042.4(EXOSC3):c.419_422del (p.Ser140fs)

Gene: EXOSC3 (exosome component 3; minus strand). Cytogenetic location: 9p13.2.
Variant type: Deletion.
Coding change: c.419_422del on transcript NM_016042.4 (MANE Select); coding-DNA positions 419 to 422, 4 bases deleted (CTTT; older notation c.419_422delCTTT).
Protein change: p.Ser140fs; shifts the reading frame from serine 140.
Molecular consequence: frameshift variant.
Genome position (GRCh38, 1-based): chr9:37,783,966-37,783,969, AAAG deleted on the plus strand (CTTT on the coding strand, the reverse complement: EXOSC3 is on the minus strand); deleting any 4 consecutive bases within chr9:37,783,966-37,783,971 gives the same sequence; the c. name uses the placement nearest the transcript's 3' end. VCF-style (leftmost placement, unchanged base first): chr9-37783965-CAAAG-C. GRCh37 (hg19) VCF-style: chr9-37783962-CAAAG-C.
Other names: c.419_422del, p.Ser140fs (NM_001002269.2); short protein forms S140fs.
Identifiers: ClinVar variation 3706994 (VCV003706994.2).

ClinVar aggregate classification (germline): Pathogenic (1 of 4 stars; one submission).

Conditions:
Pontocerebellar hypoplasia type 1B. Also called: EXOSC3 Pontocerebellar Hypoplasia. Identifiers: Orphanet 2254, MedGen C3553449, MONDO:0013853, OMIM 614678.

Submission:

Labcorp Genetics (formerly Invitae), Labcorp
Classification: Pathogenic for Pontocerebellar hypoplasia type 1B. Last evaluated: 2024-05-09. Review status: criteria provided, single submitter. Criteria: Invitae Variant Classification Sherloc (09022015). Collection method: clinical testing. Allele origin: germline.
Comment: This sequence change creates a premature translational stop signal (p.Ser140Cysfs*62) in the EXOSC3 gene. While this is not anticipated to result in nonsense mediated decay, it is expected to disrupt the last 136 amino acid(s) of the EXOSC3 protein. This variant is not present in population databases (gnomAD no frequency). This variant has not been reported in the literature in individuals affected with EXOSC3-related conditions. This variant disrupts a region of the EXOSC3 protein in which other variant(s) (p.Trp238Arg) have been determined to be pathogenic (PMID: 22544365, 27777260, 28053271). This suggests that this is a clinically significant region of the protein, and that variants that disrupt it are likely to be disease-causing. For these reasons, this variant has been classified as Pathogenic.

Literature cited by the submitters: PubMed 22544365; PubMed 27777260; PubMed 28053271.